The following is an entry in ClinVar:

ClinVar aggregate classification (germline): Uncertain significance (1 of 4 stars; one submission).

Conditions:
Cardiovascular phenotype. Identifiers: MedGen CN230736.

gnomAD v4.1: 6 of 1,614,114 alleles (0.00037%); highest among the groups gnomAD compares: Non-Finnish European, 0.00051%; no homozygotes.

Submission:

Ambry Genetics
Classification: Uncertain significance for Cardiovascular phenotype. Last evaluated: 2024-07-11. Review status: criteria provided, single submitter. Criteria: Ambry Variant Classification Scheme 2023. Collection method: clinical testing. Allele origin: germline.
Comment: The p.L147F variant (also known as c.439C>T), located in coding exon 1 of the KCND3 gene, results from a C to T substitution at nucleotide position 439. The leucine at codon 147 is replaced by phenylalanine, an amino acid with highly similar properties. This amino acid position is conserved. In addition, the in silico prediction for this alteration is inconclusive. Based on the available evidence, the clinical significance of this variant remains unclear.

NM_001378969.1(KCND3):c.439C>T (p.Leu147Phe)

Gene: KCND3 (potassium voltage-gated channel subfamily D member 3; minus strand). Cytogenetic location: 1p13.2.
Variant type: single nucleotide variant.
Coding change: c.439C>T on transcript NM_001378969.1 (MANE Select); coding-DNA position 439, C replaced by T.
Protein change: p.Leu147Phe; replaces leucine 147 with phenylalanine.
Molecular consequence: missense variant.
Genome position (GRCh38, 1-based): chr1:111,982,288, G>A on the plus strand (C>T on the coding strand, the complement: KCND3 is on the minus strand). VCF-style: chr1-111982288-G-A. GRCh37 (hg19) VCF-style: chr1-112524910-G-A.
Other names: c.439C>T, p.Leu147Phe (NM_001378970.1, NM_004980.5, NM_172198.3); short protein forms L147F.
Identifiers: ClinVar variation 3532198 (VCV003532198.1).
Genomic context (GRCh38, chr1:111,982,288, plus strand): 5'-GGCGGAAGCTGAGCGAGGGCATGGACTCCTGGTTGTTCTCCGAGTCGTTGTCGTCCATGA[G>A]CCGCTCGGCGTTCTCCCTCTTGCGGTCCTTGTACTCCTCGTAGCAGCAGTCCCCGATGAT-3'
Protein context (NP_001365898.1, residues 137-157): KDRKRENAER[Leu147Phe]MDDNDSENNQ